The following is an entry in ClinVar:

ClinVar aggregate classification (germline): Uncertain significance. Review status: criteria provided, multiple submitters, no conflicts (2 of 4 stars). 3 submissions from 3 submitters: Uncertain significance (3). Last evaluated 2024-06-09.

Conditions:
Arrhythmogenic right ventricular cardiomyopathy (ARVD). Also called: Cardiomyopathy, ARVC; Arrhythmogenic right ventricular dysplasia; Arrhythmogenic cardiomyopathy; Arrhythmogenic Right Ventricular Cardiomyopathy (ARVC). Identifiers: Orphanet 247, MedGen C0349788, MeSH D019571, MONDO:0016587. Disease mechanism: loss of function. Inheritance: Various modes of inheritance.
Cardiomyopathy (CMYO). Also called: Cardiomyopathies. Identifiers: Orphanet 167848, MedGen C0878544, MONDO:0004994, HP:0001638. Inheritance: Various modes of inheritance.
Arrhythmogenic right ventricular dysplasia 9 (ARVD9). Also called: Arrhythmogenic Right Ventricular Dysplasia/Cardiomyopathy 9; ARRHYTHMOGENIC RIGHT VENTRICULAR DYSPLASIA, FAMILIAL, 9. Identifiers: MedGen C1836906, MONDO:0012180, OMIM 609040.

Allele frequency attached by ClinVar (database versions not stated): gnomAD exomes below 0.00001 and 0.00001; ExAC 0.00001.
gnomAD v4.1: 6 of 1,577,980 alleles (0.00038%); highest among the groups gnomAD compares: Admixed American, 0.0067%; no homozygotes.

Submissions (3):

All of Us Research Program, National Institutes of Health
Classification: Uncertain significance for Arrhythmogenic right ventricular cardiomyopathy. Last evaluated: 2024-06-09. Review status: criteria provided, single submitter. Criteria: ACMG Guidelines, 2015. Collection method: clinical testing. Allele origin: germline. Inheritance: Autosomal dominant inheritance. Observed: 5 variant alleles, 5 heterozygotes.
Comment: This missense variant replaces threonine with isoleucine at codon 107 of the PKP2 protein. Computational prediction suggests that this variant may not impact protein structure and function (internally defined REVEL score threshold <= 0.5, PMID: 27666373). To our knowledge, functional studies have not been reported for this variant. This variant has not been reported in individuals affected with cardiovascular disorders in the literature. This variant has been identified in 2/251404 chromosomes in the general population by the Genome Aggregation Database (gnomAD). The available evidence is insufficient to determine the role of this variant in disease conclusively. Therefore, this variant is classified as a Variant of Uncertain Significance.

This study involves interpretation of variants in research participants for the purpose of population health screening. Participant phenotype was not available at the time of variant classification. Additional details can be found in publication PMID: 35346344, PMCID: PMC8962531

Labcorp Genetics (formerly Invitae), Labcorp
Classification: Uncertain significance for Arrhythmogenic right ventricular dysplasia 9. Last evaluated: 2024-04-02. Review status: criteria provided, single submitter. Criteria: Invitae Variant Classification Sherloc (09022015). Collection method: clinical testing. Allele origin: germline.
Comment: This sequence change replaces threonine, which is neutral and polar, with isoleucine, which is neutral and non-polar, at codon 107 of the PKP2 protein (p.Thr107Ile). This variant is present in population databases (rs749774181, gnomAD 0.003%). This variant has not been reported in the literature in individuals affected with PKP2-related conditions. ClinVar contains an entry for this variant (Variation ID: 1171681). An algorithm developed to predict the effect of missense changes on protein structure and function (PolyPhen-2) suggests that this variant is likely to be tolerated. In summary, the available evidence is currently insufficient to determine the role of this variant in disease. Therefore, it has been classified as a Variant of Uncertain Significance.

Color Diagnostics, LLC DBA Color Health
Classification: Uncertain significance for Cardiomyopathy. Last evaluated: 2024-03-07. Review status: criteria provided, single submitter. Criteria: ACMG Guidelines, 2015. Collection method: clinical testing. Allele origin: germline.
Comment: This missense variant replaces threonine with isoleucine at codon 107 of the PKP2 protein. Computational prediction suggests that this variant may not impact protein structure and function (internally defined REVEL score threshold <= 0.5, PMID: 27666373). To our knowledge, functional studies have not been reported for this variant. This variant has not been reported in individuals affected with PKP2-related disorders in the literature. This variant has been identified in 2/251404 chromosomes in the general population by the Genome Aggregation Database (gnomAD). The available evidence is insufficient to determine the role of this variant in disease conclusively. Therefore, this variant is classified as a Variant of Uncertain Significance.

NM_001005242.3(PKP2):c.320C>T (p.Thr107Ile)

Gene: PKP2 (plakophilin 2; minus strand). Cytogenetic location: 12p11.21.
Variant type: single nucleotide variant.
Coding change: c.320C>T on transcript NM_001005242.3 (MANE Select); coding-DNA position 320, C replaced by T.
Protein change: p.Thr107Ile; replaces threonine 107 with isoleucine.
Molecular consequence: missense variant.
Genome position (GRCh38, 1-based): chr12:32,878,936, G>A on the plus strand (C>T on the coding strand, the complement: PKP2 is on the minus strand). VCF-style: chr12-32878936-G-A. GRCh37 (hg19) VCF-style: chr12-33031870-G-A.
Other names: c.320C>T, p.Thr107Ile (NM_004572.4); short protein forms T107I.
Identifiers: ClinVar variation 1171681 (VCV001171681.8), dbSNP rs749774181, ClinGen allele CA036636.